The following is an entry in ClinVar:

NM_024675.4(PALB2):c.2748+1G>A

Gene: PALB2 (partner and localizer of BRCA2; minus strand). Cytogenetic location: 16p12.2.
Variant type: single nucleotide variant.
Coding change: c.2748+1G>A on transcript NM_024675.4 (MANE Select); the canonical splice donor site of the intron after coding-DNA position 2748, G replaced by A.
Molecular consequence: splice donor variant. On other transcripts: intron variant (3).
Genome position (GRCh38, 1-based): chr16:23,626,235, C>T on the plus strand (G>A on the coding strand, the complement: PALB2 is on the minus strand). VCF-style: chr16-23626235-C-T. GRCh37 (hg19) VCF-style: chr16-23637556-C-T.
Other names: c.1863+1G>A (NM_001407308.1, NM_001407306.1, NM_001407309.1 and 4 more transcripts); c.282+1G>A (NM_001407314.1); c.960+1G>A (NM_001407313.1, NM_001407312.1); c.2688+1G>A (NM_001407296.1); c.2676+1G>A (NM_001407297.1); c.2587-2141G>A (NM_001407302.1, NM_001407298.1); c.2748+1G>A (NM_001407300.1, NM_001407299.1, NM_001407301.1); c.1702-2141G>A (NM_001407307.1).
Identifiers: ClinVar variation 484205 (VCV000484205.28), dbSNP rs753153576, ClinGen allele CA279488993.

ClinVar aggregate classification (germline): Pathogenic/Likely pathogenic. Review status: criteria provided, multiple submitters, no conflicts (2 of 4 stars). 8 submissions from 8 submitters: Pathogenic (4); Likely pathogenic (4). Last evaluated 2025-08-03.

Conditions:
Pancreatic cancer, susceptibility to, 3. Identifiers: Orphanet 1333, MedGen C3150547, MONDO:0013236, OMIM 613348.
Fanconi anemia complementation group N. Also called: PALB2-Related Fanconi Anemia. Identifiers: Orphanet 84, MedGen C1835817, MONDO:0012565, OMIM 610832. Disease mechanism: loss of function.
Breast-ovarian cancer, familial, susceptibility to, 5 (BROVCA5). Identifiers: MedGen C5830615, MONDO:0957530, OMIM 620442.
Hereditary cancer-predisposing syndrome. Also called: Hereditary neoplastic syndrome; Neoplastic Syndromes, Hereditary; Tumor predisposition; Hereditary Cancer Syndrome. Identifiers: Orphanet 140162, MedGen C0027672, MeSH D009386, MONDO:0015356.
Familial cancer of breast. Also called: BREAST CANCER, FAMILIAL; Hereditary breast cancer; hereditary breast carcinoma. Identifiers: Orphanet 227535, MedGen C0346153, MONDO:0016419, OMIM 114480. Disease mechanism: loss of function.

Submissions (8):

Labcorp Genetics (formerly Invitae), Labcorp
Classification: Pathogenic for Familial cancer of breast. Last evaluated: 2025-08-03. Review status: criteria provided, single submitter. Criteria: Invitae Variant Classification Sherloc (09022015). Collection method: clinical testing. Allele origin: germline.
Comment: This sequence change affects a donor splice site in intron 7 of the PALB2 gene. RNA analysis indicates that disruption of this splice site induces altered splicing and likely results in a shortened protein product. This variant is not present in population databases (gnomAD no frequency). Disruption of this splice site has been observed in individual(s) with breast cancer (PMID: 28825143, 31263054). ClinVar contains an entry for this variant (Variation ID: 484205). Studies have shown that disruption of this splice site results in skipping of exon 7, but is expected to preserve the integrity of the reading-frame (PMID: 30890586). This variant disrupts the WD40-like repeats of the PALB2 protein, which are required for interactions with the BRCA2, POLH, and RAD51C proteins (PMID: 24141787, 24485656). While functional studies have not been performed to directly test the effect of this variant on PALB2 protein function, this suggests that disruption of this region of the protein is causative of disease. For these reasons, this variant has been classified as Pathogenic.

Ambry Genetics
Classification: Likely pathogenic for Hereditary cancer-predisposing syndrome. Last evaluated: 2025-05-23. Review status: criteria provided, single submitter. Criteria: Ambry Variant Classification Scheme 2023. Collection method: clinical testing. Allele origin: germline.
Comment: The c.2748+1G>A intronic variant results from a G to A substitution one nucleotide after coding exon 7 of the PALB2 gene. Alterations that disrupt the canonical splice site are expected to result in aberrant splicing. In silico splice site analysis predicts that this alteration will weaken the native splice donor site. The resulting transcript is predicted to be in-frame and is not expected to trigger nonsense-mediated mRNAdecay; however, direct evidence is unavailable. The exact functional effect of the altered amino acid sequence is unknown; however, the impacted region is critical for protein function (Ambry internal data). This alteration has been identified in multiple individuals diagnosed with breast cancer (Zhang K et al. Breast Cancer Res Treat, 2017 Dec;166:865-873; Deng M et al. Int J Cancer, 2019 Sep;145:1517-1528; Petridis C et al. Cancer Epidemiol Biomarkers Prev, 2019 Jul;28:1162-1168; Zhou J et al. Cancer, 2020 Jul;126:3202-3208). This variant is considered to be rare based on population cohorts in the Genome Aggregation Database (gnomAD). This nucleotide position is highly conserved in available vertebrate species. Based on the majority of available evidence to date, this variant is likely to be pathogenic.

Quest Diagnostics Nichols Institute San Juan Capistrano
Classification: Pathogenic. Last evaluated: 2025-05-12. Review status: criteria provided, single submitter. Criteria: Quest Diagnostics criteria. Collection method: clinical testing. Allele origin: unknown.
Comment: The PALB2 c.2748+1G>A variant disrupts a canonical splice-donor site and interferes with normal PALB2 mRNA splicing. This variant has been reported in the published literature in individuals with breast cancer (PMIDs: 28825143 (2017), 30720863 (2019), 31263054 (2019), 34113003 (2021), and 34793666 (2022)). In a large scale breast cancer association study, this variant has been observed in a breast cancer case (PMID: 33471991 (2021), see also LOVD). This variant has not been reported in large, multi-ethnic general populations (Genome Aggregation Database). Based on the available information, this variant is classified as pathogenic.

Color Diagnostics, LLC DBA Color Health
Classification: Likely pathogenic for Hereditary cancer-predisposing syndrome. Last evaluated: 2024-10-29. Review status: criteria provided, single submitter. Criteria: ACMG Guidelines, 2015. Collection method: clinical testing. Allele origin: germline.
Comment: This variant causes a G to A nucleotide substitution at the +1 position of intron 7 of the PALB2 gene. Splice site prediction tools predict that this variant may have a significant impact on RNA splicing. Two different nucleotide substitutions at the +1/2 positions of this donor site with similar predicted impact caused the skipping of exon 7, which is expected to delete 54 amino acids (p.Asn863_Glu916del) in the functionally important WD40 repeats domain (PMID: 24141787, 24485656, 30890586, 34846068). Therefore, this variant is expected to result in an absent or disrupted protein product. This variant has been reported in at least 4 individuals affected with breast cancer (PMID: 28825143, 30720863, 31263054, 34113003, 34793666), and it also has been detected in a breast cancer case-control meta-analysis in 1/60466 cases and 0/53461 unaffected individuals (PMID: 33471991; Leiden Open Variation Database DB-ID PALB2_010842). This variant has not been identified in the general population by the Genome Aggregation Database (gnomAD). Loss of PALB2 function is a known mechanism of disease. Based on the available evidence, this variant is classified as Likely Pathogenic.

Breast Care Center, Daerim St. Mary`s Hospital
Classification: Pathogenic for Hereditary cancer predisposing syndrome. Last evaluated: 2024-03-20. Review status: criteria provided, single submitter. Criteria: ACMG Guidelines, 2015. Collection method: clinical testing. Allele origin: germline. Inheritance: Autosomal dominant inheritance. Affected: yes. Observed: 1 heterozygote.
Comment: The c.2748+1G>A variant is located in the canonical splice site of intronic region, following exon 7 of the PALB2 gene. This null variant causes loss-of-function through known disease mechanisms and is not found in the gnomAD genomes/exomes Database. Based on the available evidence, this variant is classified as pathogenic.

Fulgent Genetics
Classification: Likely pathogenic for Fanconi anemia complementation group N; Pancreatic cancer, susceptibility to, 3; Breast-ovarian cancer, familial, susceptibility to, 5. Last evaluated: 2024-02-24. Review status: criteria provided, single submitter. Criteria: ACMG Guidelines, 2015. Collection method: clinical testing. Allele origin: germline.

Myriad Genetics, Inc.
Classification: Likely pathogenic for Familial cancer of breast. Last evaluated: 2023-09-13. Review status: criteria provided, single submitter. Criteria: Myriad Autosomal Dominant, Autosomal Recessive and X-Linked Classification Criteria (2023). Collection method: clinical testing. Allele origin: unknown.
Comment: This variant is considered likely pathogenic. This variant occurs within a consensus splice junction and is predicted to result in abnormal mRNA splicing of either an out-of-frame exon or an in-frame exon necessary for protein stability and/or normal function.

Baylor Genetics
Classification: Pathogenic for Familial cancer of breast. Last evaluated: 2022-11-13. Review status: criteria provided, single submitter. Criteria: ACMG Guidelines, 2015. Collection method: clinical testing. Allele origin: unknown.

Literature cited by the submitters: PubMed 28825143 (cited by 4 submitters); PubMed 31263054 (cited by 4 submitters); PubMed 30890586 (cited by Labcorp Genetics (formerly Invitae), Labcorp and Color Diagnostics, LLC DBA Color Health); PubMed 24141787 (cited by Labcorp Genetics (formerly Invitae), Labcorp and Color Diagnostics, LLC DBA Color Health); PubMed 24485656 (cited by Labcorp Genetics (formerly Invitae), Labcorp and Color Diagnostics, LLC DBA Color Health); PubMed 30720863 (cited by 3 submitters); PubMed 32339256 (cited by Ambry Genetics); PubMed 34793666 (cited by Quest Diagnostics Nichols Institute San Juan Capistrano and Color Diagnostics, LLC DBA Color Health); PubMed 34113003 (cited by Quest Diagnostics Nichols Institute San Juan Capistrano and Color Diagnostics, LLC DBA Color Health); PubMed 33471991 (cited by Quest Diagnostics Nichols Institute San Juan Capistrano and Color Diagnostics, LLC DBA Color Health); PubMed 34846068 (cited by Color Diagnostics, LLC DBA Color Health).